The following is an entry in ClinVar:

NM_001166108.2(PALLD):c.3185A>C (p.Lys1062Thr)

Genes: CBR4 (carbonyl reductase 4; minus strand), PALLD (palladin, cytoskeletal associated protein; plus strand). Cytogenetic location: 4q32.3.
Variant type: single nucleotide variant.
Coding change: c.3185A>C on transcript NM_001166108.2 (MANE Select); coding-DNA position 3185, A replaced by C.
Protein change: p.Lys1062Thr; replaces lysine 1062 with threonine.
Molecular consequence: missense variant.
Genome position (GRCh38, 1-based): chr4:168,924,381, A>C. VCF-style: chr4-168924381-A-C. GRCh37 (hg19) VCF-style: chr4-169845532-A-C.
Other names: c.1988A>C, p.Lys663Thr (NM_001166109.2); c.1673A>C, p.Lys558Thr (NM_001166110.2); c.1013A>C, p.Lys338Thr (NM_001367567.1, NM_001367569.1); c.1064A>C, p.Lys355Thr (NM_001367568.1, NM_001367570.1); c.3134A>C, p.Lys1045Thr (NM_016081.4); short protein forms K338T, K1062T, K355T, K558T, K1045T, K663T.
Identifiers: ClinVar variation 949964 (VCV000949964.9), dbSNP rs1762171174, ClinGen allele CA358712709.
Genomic context (GRCh38, chr4:168,924,381, plus strand): 5'-ACCCAGTGCGGCTGGAATGTCGTGTATTGGGAGTGCCACCACCTCAGATATTTTGGAAGA[A>C]AGAAAATGAATCACTCACTCACAGCACTGACCGAGTGAGGTAAGACTGCACAATGAGAAC-3'
Protein context (NP_001159580.1, residues 1052-1072): GVPPPQIFWK[Lys1062Thr]ENESLTHSTD

ClinVar aggregate classification (germline): Uncertain significance (1 of 4 stars; one submission).

Conditions:
Pancreatic adenocarcinoma. Identifiers: MedGen C0281361, MONDO:0006047, HP:0006725.

Submission:

Labcorp Genetics (formerly Invitae), Labcorp
Classification: Uncertain significance for Pancreatic adenocarcinoma. Last evaluated: 2019-05-27. Review status: criteria provided, single submitter. Criteria: Invitae Variant Classification Sherloc (09022015). Collection method: clinical testing. Allele origin: germline.
Comment: This variant has not been reported in the literature in individuals with PALLD-related conditions. In summary, the available evidence is currently insufficient to determine the role of this variant in disease. Therefore, it has been classified as a Variant of Uncertain Significance. Algorithms developed to predict the effect of missense changes on protein structure and function are either unavailable or do not agree on the potential impact of this missense change (SIFT: "Deleterious"; PolyPhen-2: "Benign"; Align-GVGD: "Class C65"). This variant is not present in population databases (ExAC no frequency). This sequence change replaces lysine with threonine at codon 558 of the PALLD protein (p.Lys558Thr). The lysine residue is highly conserved and there is a moderate physicochemical difference between lysine and threonine.